The following is an entry in ClinVar:

NM_000540.3(RYR1):c.1435del (p.Glu479fs)

Gene: RYR1 (ryanodine receptor 1; plus strand). Cytogenetic location: 19q13.2.
Variant type: Deletion.
Coding change: c.1435del on transcript NM_000540.3 (MANE Select); coding-DNA position 1435, one base deleted (G; older notation c.1435delG).
Protein change: p.Glu479fs; shifts the reading frame from glutamic acid 479.
Molecular consequence: frameshift variant.
Genome position (GRCh38, 1-based): chr19:38,453,009, G deleted; the last of 2 consecutive G bases (chr19:38,453,008-38,453,009); deleting either gives the same sequence. VCF-style (leftmost placement, unchanged base first): chr19-38453007-AG-A. GRCh37 (hg19) VCF-style: chr19-38943647-AG-A.
Other names: c.1435del, p.Glu479fs (NM_001042723.2); short protein forms E479fs.
Identifiers: ClinVar variation 3070432 (VCV003070432.1), dbSNP rs2514017126, ClinGen allele CA913189000.

ClinVar aggregate classification (germline): Uncertain significance (1 of 4 stars; one submission).

Conditions:
Malignant hyperthermia, susceptibility to, 1 (MHS1). Also called: RYR1-Related Malignant Hyperthermia Susceptibility; Anesthesia related hyperthermia; Malignant hyperpyrexia; Fulminating hyperpyrexia; Pharmacogenic myopathy; Malignant hyperthermia suceptibility 1. Identifiers: Orphanet 423, MedGen C2930980, MONDO:0007783, OMIM 145600.

Submission:

All of Us Research Program, National Institutes of Health
Classification: Uncertain significance for Malignant hyperthermia, susceptibility to, 1. Last evaluated: 2023-04-10. Review status: criteria provided, single submitter. Criteria: ACMG Guidelines, 2015. Collection method: clinical testing. Allele origin: germline. Inheritance: Autosomal dominant inheritance. Observed: 1 variant allele, 1 heterozygote.
Comment: This pathogenicity assessment is for autosomal dominant malignant hyperthermia susceptibility phenotype. This frameshift variant is predicted to result in an absent RYR1 protein product. Loss of RYR1 function due to haploinsufficiency is associated with congenital myopathy, but it is not an established disease mechanism for autosomal dominant malignant hyperthermia susceptibility. Therefore, this variant is classified as a Variant of Uncertain Significance for malignant hyperthermia susceptibility.

This study involves interpretation of variants in research participants for the purpose of population health screening. Participant phenotype was not available at the time of variant classification. Additional details can be found in publication PMID: 35346344, PMCID: PMC8962531